The following is an entry in ClinVar:

NM_001040108.2(MLH3):c.4090+4A>G

Gene: MLH3 (mutL homolog 3; minus strand). Cytogenetic location: 14q24.3.
Variant type: single nucleotide variant.
Coding change: c.4090+4A>G on transcript NM_001040108.2 (MANE Select); 4 bases into the intron after coding-DNA position 4090, A replaced by G.
Molecular consequence: intron variant.
Genome position (GRCh38, 1-based): chr14:75,022,810, T>C on the plus strand (A>G on the coding strand, the complement: MLH3 is on the minus strand). VCF-style: chr14-75022810-T-C. GRCh37 (hg19) VCF-style: chr14-75489513-T-C.
Other names: c.4018+4A>G (NM_014381.3).
Identifiers: ClinVar variation 4885831 (VCV004885831.2).

ClinVar aggregate classification (germline): Uncertain significance (1 of 4 stars; one submission).

gnomAD v4.1: 1 of 1,613,914 alleles (0.000062%); highest among the groups gnomAD compares: Non-Finnish European, 0.000085%; no homozygotes.

Submission:

Dasa
Classification: Uncertain significance. Last evaluated: 2026-01-14. Review status: criteria provided, single submitter. Criteria: DASA Assertion Criteria. Collection method: clinical testing. Allele origin: germline.
Comment: NM_001040108.2(MLH3):c.4090+4A>G is a splice-region variant predicted to affect normal RNA splicing. This variant is rare in population databases. Computational prediction algorithms are consistent with a deleterious effect. The currently available literature and clinical evidence are not sufficient to establish a definitive association between this variant and the reported condition. Therefore, this variant is classified as a variant of uncertain significance.